The following is an entry in ClinVar:

NM_005419.4(STAT2):c.1580del (p.Gln527fs)

Gene: STAT2 (signal transducer and activator of transcription 2; minus strand). Cytogenetic location: 12q13.3.
Variant type: Deletion.
Coding change: c.1580del on transcript NM_005419.4 (MANE Select); coding-DNA position 1580, one base deleted (A; older notation c.1580delA).
Protein change: p.Gln527fs; shifts the reading frame from glutamine 527.
Molecular consequence: frameshift variant.
Genome position (GRCh38, 1-based): chr12:56,348,801, T deleted on the plus strand (A on the coding strand, the reverse complement: STAT2 is on the minus strand). VCF-style (leftmost placement, unchanged base first): chr12-56348800-CT-C. GRCh37 (hg19) VCF-style: chr12-56742584-CT-C.
Other names: c.1547del, p.Gln516fs (NM_001385110.1); c.1481del, p.Gln494fs (NM_001385111.1); c.1580del, p.Gln527fs (NM_001385113.1); c.1559del, p.Gln520fs (NM_001385114.1); c.1538del, p.Gln513fs (NM_001385115.1); c.1568del, p.Gln523fs (NM_198332.2); short protein forms Q523fs, Q527fs, Q494fs, Q516fs, Q520fs, Q513fs.
Identifiers: ClinVar variation 1452515 (VCV001452515.6), dbSNP rs2136052256, ClinGen allele CA2573148820.

ClinVar aggregate classification (germline): Pathogenic (1 of 4 stars; one submission).

Conditions:
Primary immunodeficiency with post-measles-mumps-rubella vaccine viral infection. Also called: Immunodeficiency 44. Identifiers: Orphanet 431166, MedGen C4225260, MONDO:0014715, OMIM 616636.

Submission:

Labcorp Genetics (formerly Invitae), Labcorp
Classification: Pathogenic for Primary immunodeficiency with post-measles-mumps-rubella vaccine viral infection. Last evaluated: 2023-05-22. Review status: criteria provided, single submitter. Criteria: Invitae Variant Classification Sherloc (09022015). Collection method: clinical testing. Allele origin: germline.
Comment: This sequence change creates a premature translational stop signal (p.Gln527Argfs*42) in the STAT2 gene. It is expected to result in an absent or disrupted protein product. Loss-of-function variants in STAT2 are known to be pathogenic (PMID: 23391734, 26122121). This variant is not present in population databases (gnomAD no frequency). This variant has not been reported in the literature in individuals affected with STAT2-related conditions. ClinVar contains an entry for this variant (Variation ID: 1452515). For these reasons, this variant has been classified as Pathogenic.

Literature cited by the submitters: PubMed 23391734; PubMed 26122121.